The following is an entry in ClinVar:

NM_000548.5(TSC2):c.4650T>C (p.Val1550=)

Gene: TSC2 (TSC complex subunit 2; plus strand). Cytogenetic location: 16p13.3.
Variant type: single nucleotide variant.
Coding change: c.4650T>C on transcript NM_000548.5 (MANE Select); coding-DNA position 4650, T replaced by C.
Protein change: p.Val1550=; no amino-acid change (valine 1550 retained).
Molecular consequence: synonymous variant.
Genome position (GRCh38, 1-based): chr16:2,085,310, T>C. VCF-style: chr16-2085310-T-C. GRCh37 (hg19) VCF-style: chr16-2135311-T-C.
Other names: c.4449T>C, p.Val1483= (NM_001077183.3); c.4581T>C, p.Val1527= (NM_001114382.3); c.4341T>C, p.Val1447= (NM_001318827.2); c.4305T>C, p.Val1435= (NM_001318829.2); c.3918T>C, p.Val1306= (NM_001318831.2); c.4482T>C, p.Val1494= (NM_001318832.2); c.4452T>C, p.Val1484= (NM_001363528.2); c.4518T>C, p.Val1506= (NM_001370404.1); and 1 more.
Identifiers: ClinVar variation 468107 (VCV000468107.12), dbSNP rs1555515367, ClinGen allele CA492958715.

ClinVar aggregate classification (germline): Benign/Likely benign. Review status: criteria provided, multiple submitters, no conflicts (2 of 4 stars). 3 submissions from 3 submitters: Benign (1); Likely benign (2). Last evaluated 2025-06-04.

Conditions:
Tuberous sclerosis 2 (TSC2). Identifiers: Orphanet 805, MedGen C1860707, MONDO:0013199, OMIM 613254.
Hereditary cancer-predisposing syndrome. Also called: Hereditary neoplastic syndrome; Neoplastic Syndromes, Hereditary; Tumor predisposition; Hereditary Cancer Syndrome. Identifiers: Orphanet 140162, MedGen C0027672, MeSH D009386, MONDO:0015356.

Submissions (3):

Myriad Genetics, Inc.
Classification: Benign for Tuberous sclerosis 2. Last evaluated: 2025-06-04. Review status: criteria provided, single submitter. Criteria: Myriad Autosomal Dominant, Autosomal Recessive and X-Linked Classification Criteria (2023). Collection method: clinical testing. Allele origin: unknown.
Comment: This variant is considered benign. This variant is a silent/synonymous amino acid change and it is not expected to impact splicing.

Labcorp Genetics (formerly Invitae), Labcorp
Classification: Likely benign for Tuberous sclerosis 2. Last evaluated: 2020-09-21. Review status: criteria provided, single submitter. Criteria: Invitae Variant Classification Sherloc (09022015). Collection method: clinical testing. Allele origin: germline.

Ambry Genetics
Classification: Likely benign for Hereditary cancer-predisposing syndrome. Last evaluated: 2020-03-23. Review status: criteria provided, single submitter. Criteria: Ambry Variant Classification Scheme 2023. Collection method: clinical testing. Allele origin: germline.